The following is an entry in ClinVar:

ClinVar aggregate classification (germline): Pathogenic/Likely pathogenic. Review status: criteria provided, multiple submitters, no conflicts (2 of 4 stars). 2 submissions from 2 submitters: Pathogenic (1); Likely pathogenic (1). Last evaluated 2025-11-17.

Conditions:
Smith-Lemli-Opitz syndrome (SLOS). Also called: 7-Dehydrocholesterol reductase deficiency; LETHAL ACRODYSGENITAL SYNDROME; POLYDACTYLY, SEX REVERSAL, RENAL HYPOPLASIA, AND UNILOBAR LUNG; RSH SYNDROME; RUTLEDGE LETHAL MULTIPLE CONGENITAL ANOMALY SYNDROME. Identifiers: Orphanet 818, MedGen C0175694, MONDO:0010035, OMIM 270400.

Submissions (2):

Natera, Inc.
Classification: Likely pathogenic for Smith-Lemli-Opitz syndrome. Last evaluated: 2025-11-17. Review status: criteria provided, single submitter. Criteria: Natera Variant Classification Schema (03/2026). Collection method: clinical testing. Allele origin: germline.
Comment: The c.375C>A variant in DHCR7 is a nonsense variant predicted to introduce a stop codon at amino acid 125. This variant is expected to result in nonsense mediated decay, truncation, or a dysfunctional protein product. This variant is rare in the general population with a frequency below the threshold expected for the associated phenotype(s). Given the available evidence, this variant is classified as Likely Pathogenic.

Labcorp Genetics (formerly Invitae), Labcorp
Classification: Pathogenic for Smith-Lemli-Opitz syndrome. Last evaluated: 2023-04-22. Review status: criteria provided, single submitter. Criteria: Invitae Variant Classification Sherloc (09022015). Collection method: clinical testing. Allele origin: germline.
Comment: For these reasons, this variant has been classified as Pathogenic. This variant has not been reported in the literature in individuals affected with DHCR7-related conditions. This variant is not present in population databases (gnomAD no frequency). This sequence change creates a premature translational stop signal (p.Tyr125*) in the DHCR7 gene. It is expected to result in an absent or disrupted protein product. Loss-of-function variants in DHCR7 are known to be pathogenic (PMID: 9634533, 10677299).

Literature cited by the submitters: PubMed 9634533 (cited by Labcorp Genetics (formerly Invitae), Labcorp); PubMed 10677299 (cited by Labcorp Genetics (formerly Invitae), Labcorp).

NM_001360.3(DHCR7):c.375C>A (p.Tyr125Ter)

Gene: DHCR7 (7-dehydrocholesterol reductase; minus strand). Cytogenetic location: 11q13.4.
Variant type: single nucleotide variant.
Coding change: c.375C>A on transcript NM_001360.3 (MANE Select); coding-DNA position 375, C replaced by A.
Protein change: p.Tyr125Ter; replaces tyrosine 125 with a stop codon.
Molecular consequence: nonsense.
Genome position (GRCh38, 1-based): chr11:71,442,300, G>T on the plus strand (C>A on the coding strand, the complement: DHCR7 is on the minus strand). VCF-style: chr11-71442300-G-T. GRCh37 (hg19) VCF-style: chr11-71153346-G-T.
Other names: c.375C>A, p.Tyr125Ter (NM_001163817.2, NM_001425107.1, NM_001425119.1 and 7 more transcripts); c.411C>A, p.Tyr137Ter (NM_001425108.1); c.315C>A, p.Tyr105Ter (NM_001425113.1); c.279C>A, p.Tyr93Ter (NM_001425114.1, NM_001425116.1); c.201C>A, p.Tyr67Ter (NM_001425117.1); short protein forms Y105*, Y125*, Y67*, Y137*, Y93*.
Identifiers: ClinVar variation 2858320 (VCV002858320.4), dbSNP rs779401555, ClinGen allele CA381694934.